The following is an entry in ClinVar:

ClinVar aggregate classification (germline): Uncertain significance (1 of 4 stars; one submission).

Submission:

Labcorp Genetics (formerly Invitae), Labcorp
Classification: Uncertain significance. Last evaluated: 2024-11-04. Review status: criteria provided, single submitter. Criteria: Invitae Variant Classification Sherloc (09022015). Collection method: clinical testing. Allele origin: germline.
Comment: This sequence change replaces glutamic acid, which is acidic and polar, with aspartic acid, which is acidic and polar, at codon 721 of the EXTL3 protein (p.Glu721Asp). This variant is not present in population databases (gnomAD no frequency). This variant has not been reported in the literature in individuals affected with EXTL3-related conditions. ClinVar contains an entry for this variant (Variation ID: 2001246). Invitae Evidence Modeling of protein sequence and biophysical properties (such as structural, functional, and spatial information, amino acid conservation, physicochemical variation, residue mobility, and thermodynamic stability) indicates that this missense variant is not expected to disrupt EXTL3 protein function with a negative predictive value of 80%. In summary, the available evidence is currently insufficient to determine the role of this variant in disease. Therefore, it has been classified as a Variant of Uncertain Significance.

NM_001440.4(EXTL3):c.2163G>T (p.Glu721Asp)

Gene: EXTL3 (exostosin like glycosyltransferase 3; plus strand). Cytogenetic location: 8p21.1.
Variant type: single nucleotide variant.
Coding change: c.2163G>T on transcript NM_001440.4 (MANE Select); coding-DNA position 2163, G replaced by T.
Protein change: p.Glu721Asp; replaces glutamic acid 721 with aspartic acid.
Molecular consequence: missense variant. On other transcripts: non-coding transcript variant (1).
Genome position (GRCh38, 1-based): chr8:28,731,237, G>T. VCF-style: chr8-28731237-G-T. GRCh37 (hg19) VCF-style: chr8-28588754-G-T.
Other names: short protein forms E721D.
Identifiers: ClinVar variation 2001246 (VCV002001246.4), dbSNP rs2486687944, ClinGen allele CA370862171.
Genomic context (GRCh38, chr8:28,731,237, plus strand): 5'-TCATAACACAGCCTTAATTTTTAATGTTTTTCCTTCCTCATCACAGGTGGTCCGTACTGA[G>T]AAGAACAGTTTGAACAACCGATTCTTACCCTGGAATGAAATTGAGACAGAGGCCATCCTG-3'
Protein context (NP_001431.1, residues 711-731): IGVPIMVVRT[Glu721Asp]KNSLNNRFLP